The following is an entry in ClinVar:

NM_020745.4(AARS2):c.2794G>A (p.Gly932Ser)

Gene: AARS2 (alanyl-tRNA synthetase 2, mitochondrial; minus strand). Cytogenetic location: 6p21.1.
Variant type: single nucleotide variant.
Coding change: c.2794G>A on transcript NM_020745.4 (MANE Select); coding-DNA position 2794, G replaced by A.
Protein change: p.Gly932Ser; replaces glycine 932 with serine.
Molecular consequence: missense variant.
Genome position (GRCh38, 1-based): chr6:44,300,711, C>T on the plus strand (G>A on the coding strand, the complement: AARS2 is on the minus strand). VCF-style: chr6-44300711-C-T. GRCh37 (hg19) VCF-style: chr6-44268448-C-T.
Other names: c.2794G>A (NM_020745.2); short protein forms G932S.
Identifiers: ClinVar variation 357057 (VCV000357057.10), dbSNP rs886061485, ClinGen allele CA10624105.

ClinVar aggregate classification (germline): Uncertain significance. Review status: criteria provided, multiple submitters, no conflicts (2 of 4 stars). 3 submissions from 3 submitters: Uncertain significance (3). Last evaluated 2026-02-05.

Conditions:
Combined oxidative phosphorylation defect type 8. Also called: CARDIOMYOPATHY, HYPERTROPHIC MITOCHONDRIAL, FATAL INFANTILE. Identifiers: Orphanet 319504, MedGen C4518839, MONDO:0013570, OMIM 614096.

Allele frequency attached by ClinVar (database versions not stated): gnomAD exomes below 0.00001; TOPMed 0.00001.
gnomAD v4.1: 1 of 1,612,258 alleles (0.000062%); highest among the groups gnomAD compares: Non-Finnish European, 0.000085%; no homozygotes.

Submissions (3):

GeneDx
Classification: Uncertain significance. Last evaluated: 2026-02-05. Review status: criteria provided, single submitter. Criteria: GeneDx Variant Classification Process June 2021. Collection method: clinical testing. Allele origin: germline.
Comment: Not observed at significant frequency in large population cohorts (gnomAD); In silico analysis suggests that this missense variant does not alter protein structure/function; Has not been previously published as pathogenic or benign to our knowledge

Labcorp Genetics (formerly Invitae), Labcorp
Classification: Uncertain significance. Last evaluated: 2022-09-01. Review status: criteria provided, single submitter. Criteria: Invitae Variant Classification Sherloc (09022015). Collection method: clinical testing. Allele origin: germline.
Comment: This sequence change replaces glycine, which is neutral and non-polar, with serine, which is neutral and polar, at codon 932 of the AARS2 protein (p.Gly932Ser). This variant is not present in population databases (gnomAD no frequency). ClinVar contains an entry for this variant (Variation ID: 357057). This variant has not been reported in the literature in individuals affected with AARS2-related conditions. In summary, the available evidence is currently insufficient to determine the role of this variant in disease. Therefore, it has been classified as a Variant of Uncertain Significance. Algorithms developed to predict the effect of missense changes on protein structure and function output the following: SIFT: "Tolerated"; PolyPhen-2: "Benign"; Align-GVGD: "Class C0". The serine amino acid residue is found in multiple mammalian species, which suggests that this missense change does not adversely affect protein function.

Illumina Laboratory Services, Illumina
Classification: Uncertain significance for Combined oxidative phosphorylation defect type 8. Last evaluated: 2018-01-13. Review status: criteria provided, single submitter. Criteria: ICSL Variant Classification Criteria 13 December 2019. Collection method: clinical testing. Allele origin: germline.